The following is an entry in ClinVar:

ClinVar aggregate classification (germline): Likely benign. Review status: reviewed by expert panel (3 of 4 stars). 11 submissions from 11 submitters: Likely benign (1). 10 of the submissions do not count toward it. Last evaluated 2017-06-29.

Conditions:
Hereditary cancer-predisposing syndrome. Also called: Hereditary Cancer Syndrome; Tumor predisposition; Neoplastic Syndromes, Hereditary; Hereditary neoplastic syndrome. Identifiers: Orphanet 140162, MedGen C0027672, MeSH D009386, MONDO:0015356.
Hereditary breast ovarian cancer syndrome. Also called: Breast and ovarian cancer; BRCA1- and BRCA2-Associated Hereditary Breast and Ovarian Cancer; Hereditary breast and ovarian cancer; Hereditary breast and ovarian cancer syndrome (HBOC); Hereditary breast and ovarian cancer syndrome; Hereditary breast and/or ovarian cancer syndrome. Identifiers: Orphanet 145, MedGen C0677776, MeSH D061325, MONDO:0003582. Disease mechanism: loss of function.
Breast-ovarian cancer, familial, susceptibility to, 2 (BROVCA2). Also called: BRCA2 Hereditary Breast and Ovarian Cancer. Identifiers: Orphanet 145, MedGen C2675520, MONDO:0012933, OMIM 612555. Disease mechanism: loss of function.

Allele frequency attached by ClinVar (database versions not stated): gnomAD exomes 0.00001; TOPMed 0.00001.
gnomAD v4.1: 3 of 1,613,824 alleles (0.00019%); highest among the groups gnomAD compares: Non-Finnish European, 0.00025%; no homozygotes.

Submissions (11):

Evidence-based Network for the Interpretation of Germline Mutant Alleles (ENIGMA)
Classification: Likely benign for Breast-ovarian cancer, familial, susceptibility to, 2. Last evaluated: 2017-06-29. Review status: reviewed by expert panel. Criteria: ENIGMA BRCA1/2 Classification Criteria (2017-06-29). Collection method: curation. Allele origin: germline.
Comment: Synonymous substitution variant, with low bioinformatic likelihood to result in a splicing aberration (Splicing prior probability 0.02).

Labcorp Genetics (formerly Invitae), Labcorp
Classification: Likely benign for Hereditary breast ovarian cancer syndrome. Last evaluated: 2025-09-03. Review status: criteria provided, single submitter. Criteria: Invitae Variant Classification Sherloc (09022015). Collection method: clinical testing. Allele origin: germline. Not counted in ClinVar's aggregate classification.

Women's Health and Genetics/Laboratory Corporation of America, LabCorp
Classification: Likely benign. Last evaluated: 2024-03-17. Review status: criteria provided, single submitter. Criteria: LabCorp Variant Classification Summary - May 2015. Collection method: clinical testing. Allele origin: germline. Not counted in ClinVar's aggregate classification.

All of Us Research Program, National Institutes of Health
Classification: Likely benign for Breast-ovarian cancer, familial, susceptibility to, 2. Last evaluated: 2023-06-28. Review status: criteria provided, single submitter. Criteria: ACMG Guidelines, 2015. Collection method: clinical testing. Allele origin: germline. Inheritance: Autosomal dominant inheritance. Observed: 1 variant allele, 1 heterozygote. Not counted in ClinVar's aggregate classification.
Comment: This study involves interpretation of variants in research participants for the purpose of population health screening. Participant phenotype was not available at the time of variant classification. Additional details can be found in publication PMID: 35346344, PMCID: PMC8962531

Quest Diagnostics Nichols Institute San Juan Capistrano
Classification: Likely benign. Last evaluated: 2023-03-01. Review status: criteria provided, single submitter. Criteria: Quest Diagnostics criteria. Collection method: clinical testing. Allele origin: unknown. Not counted in ClinVar's aggregate classification.

Color Diagnostics, LLC DBA Color Health
Classification: Likely benign for Hereditary cancer-predisposing syndrome. Last evaluated: 2019-05-08. Review status: criteria provided, single submitter. Criteria: ACMG Guidelines, 2015. Collection method: clinical testing. Allele origin: germline. Not counted in ClinVar's aggregate classification.

CeGaT Center for Human Genetics Tuebingen
Classification: Uncertain significance. Last evaluated: 2016-11-01. Review status: criteria provided, single submitter. Criteria: CeGaT Center For Human Genetics Tuebingen Variant Classification Criteria Version 2. Collection method: clinical testing. Allele origin: germline. Affected: yes. Observed: 1 variant allele. Not counted in ClinVar's aggregate classification.

Ambry Genetics
Classification: Likely benign for Hereditary cancer-predisposing syndrome. Last evaluated: 2016-04-07. Review status: criteria provided, single submitter. Criteria: Ambry Variant Classification Scheme 2023. Collection method: clinical testing. Allele origin: germline. Not counted in ClinVar's aggregate classification.

GeneDx
Classification: Benign. Last evaluated: 2015-07-15. Review status: criteria provided, single submitter. Criteria: GeneDx Variant Classification Process June 2021. Collection method: clinical testing. Allele origin: germline. Affected: yes. Not counted in ClinVar's aggregate classification.

Counsyl
Classification: Likely benign for Breast-ovarian cancer, familial, susceptibility to, 2. Last evaluated: 2015-12-01. Review status: no assertion criteria provided. Collection method: clinical testing. Allele origin: unknown. Not counted in ClinVar's aggregate classification.

Breast Cancer Information Core (BIC) (BRCA2)
Classification: Uncertain significance for Breast-ovarian cancer, familial 2. Last evaluated: 2011-03-02. Review status: no assertion criteria provided. Collection method: clinical testing. Allele origin: germline. Affected: yes. Observed: 1 variant allele. Not counted in ClinVar's aggregate classification.

Literature cited by the submitters: PubMed 25948282 (cited by Quest Diagnostics Nichols Institute San Juan Capistrano and Counsyl); PubMed 22505045 (cited by Quest Diagnostics Nichols Institute San Juan Capistrano and Counsyl).

NM_000059.4(BRCA2):c.7056T>A (p.Pro2352=)

Gene: BRCA2 (BRCA2 DNA repair associated; plus strand). Cytogenetic location: 13q13.1.
Variant type: single nucleotide variant.
Coding change: c.7056T>A on transcript NM_000059.4 (MANE Select); coding-DNA position 7056, T replaced by A.
Protein change: p.Pro2352=; no amino-acid change (proline 2352 retained).
Molecular consequence: synonymous variant.
Genome position (GRCh38, 1-based): chr13:32,354,909, T>A. VCF-style: chr13-32354909-T-A. GRCh37 (hg19) VCF-style: chr13-32929046-T-A.
Other names: P2352P.
Identifiers: ClinVar variation 52259 (VCV000052259.68), dbSNP rs276174888, ClinGen allele CA024815.